The following is an entry in ClinVar:

ClinVar aggregate classification (germline): Conflicting classifications of pathogenicity. Review status: criteria provided, conflicting classifications (1 of 4 stars). 2 submissions from 2 submitters: Uncertain significance (1); Benign (1). Last evaluated 2026-02-02.

Conditions:
Combined oxidative phosphorylation defect type 17. Also called: Combined oxidative phosphorylation deficiency 17. Identifiers: Orphanet 369913, MedGen C3809526, MONDO:0014190, OMIM 615440.

Submissions (2):

Labcorp Genetics (formerly Invitae), Labcorp
Classification: Benign for Combined oxidative phosphorylation defect type 17. Last evaluated: 2026-02-02. Review status: criteria provided, single submitter. Criteria: Invitae Variant Classification Sherloc (09022015). Collection method: clinical testing. Allele origin: germline.

CeGaT Center for Human Genetics Tuebingen
Classification: Uncertain significance. Last evaluated: 2024-05-01. Review status: criteria provided, single submitter. Criteria: CeGaT Center For Human Genetics Tuebingen Variant Classification Criteria Version 2. Collection method: clinical testing. Allele origin: germline. Affected: yes. Observed: 1 variant allele.
Comment: ELAC2: PM2, BP4

NM_018127.7(ELAC2):c.1305-8_1305-7insTCTC

Gene: ELAC2 (elaC ribonuclease Z 2; minus strand). Cytogenetic location: 17p12.
Variant type: Insertion.
Coding change: c.1305-8_1305-7insTCTC on transcript NM_018127.7 (MANE Select); 8 bases into the intron before coding-DNA position 1305 through 7 bases into the intron before coding-DNA position 1305, TCTC inserted.
Molecular consequence: intron variant.
Genome position: GRCh38 VCF-style: chr17-13000281-G-GGAGA. GRCh37 (hg19) VCF-style: chr17-12903598-G-GGAGA.
Other names: c.1185-8_1185-7insTCTC (NM_001165962.2); c.1302-8_1302-7insTCTC (NM_173717.2).
Identifiers: ClinVar variation 220978 (VCV000220978.31), dbSNP rs201830045, ClinGen allele CA350417.